The following is an entry in ClinVar:

ClinVar aggregate classification (germline): Likely benign. Review status: criteria provided, single submitter (1 of 4 stars). 3 submissions from 3 submitters: Likely benign (1). 2 of the submissions do not count toward it. Last evaluated 2025-10-29.

Conditions:
PYGM-related disorder. Also called: PYGM-related condition.
Glycogen storage disease, type V (GSD5). Also called: MCARDLE DISEASE; McArdle type glycogen storage disease; MUSCLE GLYCOGEN PHOSPHORYLASE DEFICIENCY; MYOPHOSPHORYLASE DEFICIENCY; PYGM DEFICIENCY. Identifiers: Orphanet 368, MedGen C0017924, MONDO:0009293, OMIM 232600.

Allele frequency attached by ClinVar (database versions not stated): gnomAD exomes 0.00001 and 0.00003; ExAC 0.00002; gnomAD 0.00016 and 0.00018; TOPMed 0.00046.
gnomAD v4.1: 50 of 1,614,032 alleles (0.0031%); highest among the groups gnomAD compares: Admixed American, 0.06%; no homozygotes.

Submissions (3):

Labcorp Genetics (formerly Invitae), Labcorp
Classification: Likely benign for Glycogen storage disease, type V. Last evaluated: 2025-10-29. Review status: criteria provided, single submitter. Criteria: Invitae Variant Classification Sherloc (09022015). Collection method: clinical testing. Allele origin: germline.

Natera, Inc.
Classification: Likely benign for Glycogen storage disease V. Last evaluated: 2020-03-12. Review status: no assertion criteria provided. Collection method: clinical testing. Allele origin: germline. Not counted in ClinVar's aggregate classification.

PreventionGenetics, part of Exact Sciences
Classification: Likely benign for PYGM-related condition. Last evaluated: 2019-12-04. Review status: no assertion criteria provided. Collection method: clinical testing. Allele origin: germline. Not counted in ClinVar's aggregate classification.
Comment: This variant is classified as likely benign based on ACMG/AMP sequence variant interpretation guidelines (Richards et al. 2015 PMID: 25741868, with internal and published modifications).

NM_005609.4(PYGM):c.72C>T (p.Asn24=)

Gene: PYGM (glycogen phosphorylase, muscle associated; minus strand). Cytogenetic location: 11q13.1.
Variant type: single nucleotide variant.
Coding change: c.72C>T on transcript NM_005609.4 (MANE Select); coding-DNA position 72, C replaced by T.
Protein change: p.Asn24=; no amino-acid change (asparagine 24 retained).
Molecular consequence: synonymous variant.
Genome position (GRCh38, 1-based): chr11:64,759,827, G>A on the plus strand (C>T on the coding strand, the complement: PYGM is on the minus strand). VCF-style: chr11-64759827-G-A. GRCh37 (hg19) VCF-style: chr11-64527299-G-A.
Other names: c.72C>T, p.Asn24= (NM_001164716.1).
Identifiers: ClinVar variation 722801 (VCV000722801.15), dbSNP rs757114579, ClinGen allele CA6080378.
Genomic context (GRCh38, chr11:64,759,827, plus strand): 5'-GCGGTCCTTTACGAGTGTGAAATGCAGGTGCCGGTTGAAGTTCTTTTTCAGCTCAGTCAC[G>A]TTCTCCACGCCGGCCAGGCCACGCACACTGATTTGCTTTCTTTTCTCTTGGTCTGACAGG-3'
Protein context (NP_005600.1, residues 14-34): ISVRGLAGVE[Asn24=]VTELKKNFNR